The following is an entry in ClinVar:

ClinVar aggregate classification (germline): Likely benign. Review status: criteria provided, multiple submitters, no conflicts (2 of 4 stars). 2 submissions from 2 submitters: Likely benign (2). Last evaluated 2025-01-06.

Conditions:
Myopathy with tubular aggregates (TAM). Also called: Tubular Aggregate Myopathy. Identifiers: Orphanet 2593, MedGen C0410207, MONDO:0008051.
Stormorken syndrome (STRMK). Also called: THROMBOCYTOPATHY, ASPLENIA, AND MIOSIS. Identifiers: Orphanet 3204, MedGen C1861451, MONDO:0008497, OMIM 185070.
Combined immunodeficiency due to STIM1 deficiency. Also called: IMMUNODEFICIENCY 10; STIM1 DEFICIENCY. Identifiers: Orphanet 169090, Orphanet 317430, MedGen C2748557, MONDO:0013008, OMIM 612783.
STIM1-related disorder. Also called: STIM1-related condition.

gnomAD v4.1: 1 of 1,614,184 alleles (0.000062%); highest among the groups gnomAD compares: Non-Finnish European, 0.000085%; no homozygotes.

Submissions (2):

PreventionGenetics, part of Exact Sciences
Classification: Likely benign for STIM1-related condition. Last evaluated: 2025-01-06. Review status: criteria provided, single submitter. Criteria: ACMG Guidelines, 2015. Collection method: clinical testing. Allele origin: germline.
Comment: This variant is classified as likely benign based on ACMG/AMP sequence variant interpretation guidelines (Richards et al. 2015 PMID: 25741868, with internal and published modifications).

Labcorp Genetics (formerly Invitae), Labcorp
Classification: Likely benign for Myopathy with tubular aggregates; Combined immunodeficiency due to STIM1 deficiency; Stormorken syndrome. Last evaluated: 2024-10-14. Review status: criteria provided, single submitter. Criteria: Invitae Variant Classification Sherloc (09022015). Collection method: clinical testing. Allele origin: germline.

NM_001382567.1(STIM1):c.1812T>C (p.Pro604=)

Genes: STIM1 (stromal interaction molecule 1; plus strand), LOC124418421 (Sharpr-MPRA regulatory region 9588; plus strand). Cytogenetic location: 11p15.4.
Variant type: single nucleotide variant.
Coding change: c.1812T>C on transcript NM_001382567.1 (MANE Select); coding-DNA position 1812, T replaced by C.
Protein change: p.Pro604=; no amino-acid change (proline 604 retained).
Molecular consequence: synonymous variant. On other transcripts: 3 prime UTR variant (4), non-coding transcript variant (3).
Genome position (GRCh38, 1-based): chr11:4,091,459, T>C. VCF-style: chr11-4091459-T-C. GRCh37 (hg19) VCF-style: chr11-4112689-T-C.
Other names: c.1719T>C (NM_003156.3); c.2037T>C, p.Pro679= (NM_001277961.3); c.*133T>C (NM_001277962.2, NM_001382578.1, NM_001382579.1 and 1 more transcripts); c.1815T>C, p.Pro605= (NM_001382566.1); c.1740T>C, p.Pro580= (NM_001382568.1); c.1584T>C, p.Pro528= (NM_001382569.1); c.1491T>C, p.Pro497= (NM_001382570.1); c.1239T>C, p.Pro413= (NM_001382571.1); and 3 more.
Identifiers: ClinVar variation 1654205 (VCV001654205.9), dbSNP rs200693717, ClinGen allele CA216533966.